The following is an entry in ClinVar:

NM_005120.3(MED12):c.3745C>T (p.Leu1249Phe)

Gene: MED12 (mediator complex subunit 12; plus strand). Cytogenetic location: Xq13.1.
Variant type: single nucleotide variant.
Coding change: c.3745C>T on transcript NM_005120.3 (MANE Select); coding-DNA position 3745, C replaced by T.
Protein change: p.Leu1249Phe; replaces leucine 1249 with phenylalanine.
Molecular consequence: missense variant.
Genome position (GRCh38, 1-based): chrX:71,129,733, C>T. VCF-style: chrX-71129733-C-T. GRCh37 (hg19) VCF-style: chrX-70349583-C-T.
Other names: short protein forms L1249F.
Identifiers: ClinVar variation 458816 (VCV000458816.11), dbSNP rs1422779785, ClinGen allele CA413522203.
Genomic context (GRCh38, chrX:71,129,733, plus strand): 5'-ACCACAGGGGATGCGGAACTGAAAGGTTCAGGCTTCACTGTGACAGGAGGAACAGAAGAA[C>T]TTCCAGAGGAGGAGGGAGGAGGTGGCAGTGGTGGTCGGAGGCAGGGTGGCCGCAACATCT-3'
Protein context (NP_005111.2, residues 1239-1259): GFTVTGGTEE[Leu1249Phe]PEEEGGGGSG

ClinVar aggregate classification (germline): Conflicting classifications of pathogenicity. Review status: criteria provided, conflicting classifications (1 of 4 stars). 3 submissions from 3 submitters: Uncertain significance (2); Likely benign (1). Last evaluated 2026-07-13.

Conditions:
FG syndrome (FGS). Identifiers: MedGen C0220769, MONDO:0002010.
Familial thoracic aortic aneurysm and aortic dissection (TAAD). Also called: Thoracic aortic aneurysms and dissections. Identifiers: Orphanet 91387, MedGen C4707243, MONDO:0019625.

Allele frequency attached by ClinVar (database versions not stated): gnomAD exomes 0.00001; TOPMed 0.00001.
gnomAD v4.1: 11 of 1,203,796 alleles (0.00091%); highest among the groups gnomAD compares: Middle Eastern, 0.023%; no homozygotes.

Submissions (3):

Ambry Genetics
Classification: Uncertain significance for Familial thoracic aortic aneurysm and aortic dissection. Last evaluated: 2026-07-13. Review status: criteria provided, single submitter. Criteria: Ambry Variant Classification Scheme 2023. Collection method: clinical testing. Allele origin: germline.
Comment: The p.L1249F variant (also known as c.3745C>T), located in coding exon 27 of the MED12 gene, results from a C to T substitution at nucleotide position 3745. The leucine at codon 1249 is replaced by phenylalanine, an amino acid with highly similar properties. This amino acid position is conserved. In addition, this alteration is predicted to be tolerated by in silico analysis. Based on the available evidence, the clinical significance of this variant remains unclear.

Labcorp Genetics (formerly Invitae), Labcorp
Classification: Likely benign for FG syndrome. Last evaluated: 2024-08-29. Review status: criteria provided, single submitter. Criteria: Invitae Variant Classification Sherloc (09022015). Collection method: clinical testing. Allele origin: germline.

GeneDx
Classification: Uncertain significance. Last evaluated: 2020-06-29. Review status: criteria provided, single submitter. Criteria: GeneDx Variant Classification Process June 2021. Collection method: clinical testing. Allele origin: germline. Affected: yes.
Comment: Has not been previously published as pathogenic or benign to our knowledge; In silico analysis supports that this missense variant has a deleterious effect on protein structure/function; Reported in ClinVar as a variant of uncertain significance (ClinVar Variant ID# 458816; Landrum et al., 2016)